The following is an entry in ClinVar:

NM_001510.4(GRID2):c.1107G>A (p.Met369Ile)

Gene: GRID2 (glutamate ionotropic receptor delta type subunit 2; plus strand). Cytogenetic location: 4q22.2.
Variant type: single nucleotide variant.
Coding change: c.1107G>A on transcript NM_001510.4 (MANE Select); coding-DNA position 1107, G replaced by A.
Protein change: p.Met369Ile; replaces methionine 369 with isoleucine.
Molecular consequence: missense variant.
Genome position (GRCh38, 1-based): chr4:93,224,757, G>A. VCF-style: chr4-93224757-G-A. GRCh37 (hg19) VCF-style: chr4-94145908-G-A.
Other names: c.822G>A, p.Met274Ile (NM_001286838.1); short protein forms M274I, M369I.
Identifiers: ClinVar variation 2094811 (VCV002094811.4), dbSNP rs2531140266, ClinGen allele CA357723559.
Genomic context (GRCh38, chr4:93,224,757, plus strand): 5'-CATGGCAAGTCTGTCATGTATCAGAAAGAACTCAAAGCCCTGGCAGGGTGGGCGCTCCAT[G>A]TTGGAGACCATCAAGAAGGTAACTTCTTAATTTTCATGTAAAAAGGATATGGTAAATAAT-3'
Protein context (NP_001501.2, residues 359-379): NSKPWQGGRS[Met369Ile]LETIKKGGVS

ClinVar aggregate classification (germline): Uncertain significance (1 of 4 stars; one submission).

gnomAD v4.1: 1 of 1,611,680 alleles (0.000062%); no homozygotes.

Submission:

Labcorp Genetics (formerly Invitae), Labcorp
Classification: Uncertain significance. Last evaluated: 2023-06-29. Review status: criteria provided, single submitter. Criteria: Invitae Variant Classification Sherloc (09022015). Collection method: clinical testing. Allele origin: germline.
Comment: In summary, the available evidence is currently insufficient to determine the role of this variant in disease. Therefore, it has been classified as a Variant of Uncertain Significance. Advanced modeling of protein sequence and biophysical properties (such as structural, functional, and spatial information, amino acid conservation, physicochemical variation, residue mobility, and thermodynamic stability) performed at Invitae indicates that this missense variant is not expected to disrupt GRID2 protein function. ClinVar contains an entry for this variant (Variation ID: 2094811). This variant has not been reported in the literature in individuals affected with GRID2-related conditions. This variant is not present in population databases (gnomAD no frequency). This sequence change replaces methionine, which is neutral and non-polar, with isoleucine, which is neutral and non-polar, at codon 369 of the GRID2 protein (p.Met369Ile).